The following is an entry in ClinVar:

NM_003701.4(TNFSF11):c.902C>T (p.Pro301Leu)

Gene: TNFSF11 (TNF superfamily member 11; plus strand). Cytogenetic location: 13q14.11.
Variant type: single nucleotide variant.
Coding change: c.902C>T on transcript NM_003701.4 (MANE Select); coding-DNA position 902, C replaced by T.
Protein change: p.Pro301Leu; replaces proline 301 with leucine.
Molecular consequence: missense variant.
Genome position (GRCh38, 1-based): chr13:42,606,866, C>T. VCF-style: chr13-42606866-C-T. GRCh37 (hg19) VCF-style: chr13-43181002-C-T.
Other names: c.683C>T, p.Pro228Leu (NM_033012.4); short protein forms P301L, P228L.
Identifiers: ClinVar variation 2124807 (VCV002124807.1), dbSNP rs1451082554, ClinGen allele CA388222372.

ClinVar aggregate classification (germline): Uncertain significance (1 of 4 stars; one submission).

Allele frequency attached by ClinVar (database versions not stated): TOPMed below 0.00001; gnomAD 0.00001; gnomAD exomes 0.00001.
gnomAD v4.1: 4 of 1,613,986 alleles (0.00025%); highest among the groups gnomAD compares: African/African-American, 0.004%; no homozygotes.

Submission:

Labcorp Genetics (formerly Invitae), Labcorp
Classification: Uncertain significance. Last evaluated: 2022-06-12. Review status: criteria provided, single submitter. Criteria: Invitae Variant Classification Sherloc (09022015). Collection method: clinical testing. Allele origin: germline.
Comment: This sequence change replaces proline, which is neutral and non-polar, with leucine, which is neutral and non-polar, at codon 301 of the TNFSF11 protein (p.Pro301Leu). This variant is present in population databases (no rsID available, gnomAD 0.007%). This variant has not been reported in the literature in individuals affected with TNFSF11-related conditions. Algorithms developed to predict the effect of missense changes on protein structure and function are either unavailable or do not agree on the potential impact of this missense change (SIFT: "Deleterious"; PolyPhen-2: "Possibly Damaging"; Align-GVGD: "Class C15"). In summary, the available evidence is currently insufficient to determine the role of this variant in disease. Therefore, it has been classified as a Variant of Uncertain Significance.